The following is an entry in ClinVar:

NM_001042492.3(NF1):c.4405A>T (p.Lys1469Ter)

Gene: NF1 (neurofibromin 1; plus strand). Cytogenetic location: 17q11.2.
Variant type: single nucleotide variant.
Coding change: c.4405A>T on transcript NM_001042492.3 (MANE Select); coding-DNA position 4405, A replaced by T.
Protein change: p.Lys1469Ter; replaces lysine 1469 with a stop codon.
Molecular consequence: nonsense.
Genome position (GRCh38, 1-based): chr17:31,259,104, A>T. VCF-style: chr17-31259104-A-T. GRCh37 (hg19) VCF-style: chr17-29586122-A-T.
Other names: c.4342A>T, p.Lys1448Ter (NM_000267.4); short protein forms K1448*, K1469*.
Identifiers: ClinVar variation 623894 (VCV000623894.46), dbSNP rs1567862353, ClinGen allele CA398998930.

ClinVar aggregate classification (germline): Pathogenic. Review status: criteria provided, multiple submitters, no conflicts (2 of 4 stars). 3 submissions from 3 submitters: Pathogenic (3). Last evaluated 2025-04-16.

Conditions:
Neurofibromatosis, type 1 (NF1). Also called: NEUROFIBROMATOSIS, TYPE I, SOMATIC; VON RECKLINGHAUSEN DISEASE; Peripheral type neurofibromatosis; Neurofibromatosis, type I. Identifiers: Orphanet 636, MedGen C0027831, MONDO:0018975, OMIM 162200. Disease mechanism: loss of function.
Cardiovascular phenotype. Identifiers: MedGen CN230736.
Hereditary cancer-predisposing syndrome. Also called: Hereditary Cancer Syndrome; Tumor predisposition; Hereditary neoplastic syndrome; Neoplastic Syndromes, Hereditary. Identifiers: Orphanet 140162, MedGen C0027672, MeSH D009386, MONDO:0015356.

Submissions (3):

Labcorp Genetics (formerly Invitae), Labcorp
Classification: Pathogenic for Neurofibromatosis, type 1. Last evaluated: 2025-04-16. Review status: criteria provided, single submitter. Criteria: Invitae Variant Classification Sherloc (09022015). Collection method: clinical testing. Allele origin: germline.
Comment: This sequence change creates a premature translational stop signal (p.Lys1448*) in the NF1 gene. It is expected to result in an absent or disrupted protein product. Loss-of-function variants in NF1 are known to be pathogenic (PMID: 10712197, 23913538). This variant is not present in population databases (gnomAD no frequency). This variant has not been reported in the literature in individuals affected with NF1-related conditions. ClinVar contains an entry for this variant (Variation ID: 623894). For these reasons, this variant has been classified as Pathogenic.

Ambry Genetics
Classification: Pathogenic for Cardiovascular phenotype; Hereditary cancer-predisposing syndrome. Last evaluated: 2021-11-22. Review status: criteria provided, single submitter. Criteria: Ambry Variant Classification Scheme 2023. Collection method: clinical testing. Allele origin: germline.
Comment: The p.K1448* pathogenic mutation (also known as c.4342A>T), located in coding exon 32 of the NF1 gene, results from an A to T substitution at nucleotide position 4342. This changes the amino acid from a lysine to a stop codon within coding exon 32. This alteration has been observed in at least one individual with a personal and/or family history that is consistent with NF1-related disease (Ambry internal data). This variant is considered to be rare based on population cohorts in the Genome Aggregation Database (gnomAD). In addition to the clinical data presented in the literature, this alteration is expected to result in loss of function by premature protein truncation or nonsense-mediated mRNA decay. As such, this alteration is interpreted as a disease-causing mutation.

CeGaT Center for Human Genetics Tuebingen
Classification: Pathogenic. Last evaluated: 2021-09-01. Review status: criteria provided, single submitter. Criteria: CeGaT Center For Human Genetics Tuebingen Variant Classification Criteria Version 2. Collection method: clinical testing. Allele origin: germline. Affected: yes. Observed: 2 variant alleles.

Literature cited by the submitters: PubMed 10712197 (cited by Labcorp Genetics (formerly Invitae), Labcorp); PubMed 23913538 (cited by Labcorp Genetics (formerly Invitae), Labcorp).